The following is an entry in ClinVar:

NM_005343.4(HRAS):c.-53-5G>A

Genes: HRAS (HRas proto-oncogene, GTPase; minus strand), LRRC56 (leucine rich repeat containing 56; plus strand). Cytogenetic location: 11p15.5.
Variant type: single nucleotide variant.
Coding change: c.-53-5G>A on transcript NM_005343.4 (MANE Select); 5 bases into the intron before 53 bases upstream of the start codon, G replaced by A.
Molecular consequence: intron variant.
Genome position (GRCh38, 1-based): chr11:534,380, C>T on the plus strand (G>A on the coding strand, the complement: HRAS is on the minus strand). VCF-style: chr11-534380-C-T. GRCh37 (hg19) VCF-style: chr11-534380-C-T.
Other names: c.-53-5G>A (NM_001130442.3, NM_176795.5); c.-372-5G>A (NM_001318054.2).
Identifiers: ClinVar variation 2572953 (VCV002572953.1), dbSNP rs1851326988, ClinGen allele CA2580616886.

ClinVar aggregate classification (germline): Uncertain significance (1 of 4 stars; one submission).

Submission:

GeneDx
Classification: Uncertain significance. Last evaluated: 2023-07-13. Review status: criteria provided, single submitter. Criteria: GeneDx Variant Classification Process June 2021. Collection method: clinical testing. Allele origin: germline. Affected: yes.
Comment: No data available from control populations to assess the frequency of this variant; Has not been previously published as pathogenic or benign to our knowledge; In silico analysis supports a deleterious effect on splicing